The following is an entry in ClinVar:

NM_198514.4(NHLRC2):c.378A>G (p.Glu126=)

Gene: NHLRC2 (NHL repeat containing 2; plus strand). Cytogenetic location: 10q25.3.
Variant type: single nucleotide variant.
Coding change: c.378A>G on transcript NM_198514.4 (MANE Select); coding-DNA position 378, A replaced by G.
Protein change: p.Glu126=; no amino-acid change (glutamic acid 126 retained).
Molecular consequence: synonymous variant.
Genome position (GRCh38, 1-based): chr10:113,876,567, A>G. VCF-style: chr10-113876567-A-G. GRCh37 (hg19) VCF-style: chr10-115636326-A-G.
Identifiers: ClinVar variation 2640857 (VCV002640857.24), dbSNP rs1317306625, ClinGen allele CA471728908.

ClinVar aggregate classification (germline): Likely benign (1 of 4 stars; one submission).

Allele frequency attached by ClinVar (database versions not stated): TOPMed below 0.00001; gnomAD 0.00001.
gnomAD v4.1: 1 of 1,609,398 alleles (0.000062%); highest among the groups gnomAD compares: Non-Finnish European, 0.000085%; no homozygotes.

Submission:

CeGaT Center for Human Genetics Tuebingen
Classification: Likely benign. Last evaluated: 2022-06-01. Review status: criteria provided, single submitter. Criteria: CeGaT Center For Human Genetics Tuebingen Variant Classification Criteria Version 2. Collection method: clinical testing. Allele origin: germline. Affected: yes. Observed: 1 variant allele.
Comment: NHLRC2: BP4, BP7